The following is an entry in ClinVar:

ClinVar aggregate classification (germline): Uncertain significance (1 of 4 stars; one submission).

Conditions:
Combined immunodeficiency due to OX40 deficiency. Also called: OX40 DEFICIENCY; Immunodeficiency 16. Identifiers: Orphanet 431149, MedGen C3810053, MONDO:0014268, OMIM 615593.

Submission:

Labcorp Genetics (formerly Invitae), Labcorp
Classification: Uncertain significance for Combined immunodeficiency due to OX40 deficiency. Last evaluated: 2024-06-22. Review status: criteria provided, single submitter. Criteria: Invitae Variant Classification Sherloc (09022015). Collection method: clinical testing. Allele origin: germline.
Comment: This sequence change replaces proline, which is neutral and non-polar, with leucine, which is neutral and non-polar, at codon 83 of the TNFRSF4 protein (p.Pro83Leu). This variant is not present in population databases (gnomAD no frequency). This variant has not been reported in the literature in individuals affected with TNFRSF4-related conditions. Advanced modeling of protein sequence and biophysical properties (such as structural, functional, and spatial information, amino acid conservation, physicochemical variation, residue mobility, and thermodynamic stability) performed at Invitae indicates that this missense variant is not expected to disrupt TNFRSF4 protein function with a negative predictive value of 80%. In summary, the available evidence is currently insufficient to determine the role of this variant in disease. Therefore, it has been classified as a Variant of Uncertain Significance.

NM_003327.4(TNFRSF4):c.248C>T (p.Pro83Leu)

Gene: TNFRSF4 (TNF receptor superfamily member 4; minus strand). Cytogenetic location: 1p36.33.
Variant type: single nucleotide variant.
Coding change: c.248C>T on transcript NM_003327.4 (MANE Select); coding-DNA position 248, C replaced by T.
Protein change: p.Pro83Leu; replaces proline 83 with leucine.
Molecular consequence: missense variant.
Genome position (GRCh38, 1-based): chr1:1,213,683, G>A on the plus strand (C>T on the coding strand, the complement: TNFRSF4 is on the minus strand). VCF-style: chr1-1213683-G-A. GRCh37 (hg19) VCF-style: chr1-1149063-G-A.
Other names: c.248C>T, p.Pro83Leu (NM_001410709.1); short protein forms P83L.
Identifiers: ClinVar variation 3657436 (VCV003657436.2).